The following is an entry in ClinVar:

NM_004859.4(CLTC):c.4331A>G (p.Gln1444Arg)

Genes: CLTC (clathrin heavy chain; plus strand), LOC126862609 (CDK7 strongly-dependent group 2 enhancer GRCh37_chr17:57760547-57761746; plus strand). Cytogenetic location: 17q23.1.
Variant type: single nucleotide variant.
Coding change: c.4331A>G on transcript NM_004859.4 (MANE Select); coding-DNA position 4331, A replaced by G.
Protein change: p.Gln1444Arg; replaces glutamine 1444 with arginine.
Molecular consequence: missense variant.
Genome position (GRCh38, 1-based): chr17:59,683,882, A>G. VCF-style: chr17-59683882-A-G. GRCh37 (hg19) VCF-style: chr17-57761243-A-G.
Other names: c.4343A>G, p.Gln1448Arg (NM_001288653.2); short protein forms Q1444R, Q1448R.
Identifiers: ClinVar variation 1469645 (VCV001469645.10), dbSNP rs1433786906, ClinGen allele CA400421385.

ClinVar aggregate classification (germline): Uncertain significance. Review status: criteria provided, multiple submitters, no conflicts (2 of 4 stars). 2 submissions from 2 submitters: Uncertain significance (2). Last evaluated 2025-04-09.

Allele frequency attached by ClinVar (database versions not stated): gnomAD 0.00001; gnomAD exomes 0.00001; TOPMed 0.00001.
gnomAD v4.1: 21 of 1,613,354 alleles (0.0013%); highest among the groups gnomAD compares: Non-Finnish European, 0.0018%; no homozygotes.

Submissions (2):

Women's Health and Genetics/Laboratory Corporation of America, LabCorp
Classification: Uncertain significance. Last evaluated: 2025-04-09. Review status: criteria provided, single submitter. Criteria: LabCorp Variant Classification Summary - May 2015. Collection method: clinical testing. Allele origin: germline.
Comment: Variant summary: CLTC c.4331A>G (p.Gln1444Arg) results in a conservative amino acid change in the encoded protein sequence. Three of five in-silico tools predict a damaging effect of the variant on protein function. The variant was absent in 250962 control chromosomes. The available data on variant occurrences in the general population are insufficient to allow any conclusion about variant significance. To our knowledge, no occurrence of c.4331A>G in individuals affected with Intellectual Disability, Autosomal Dominant 56 and no experimental evidence demonstrating its impact on protein function have been reported. ClinVar contains an entry for this variant (Variation ID: 1469645). Based on the evidence outlined above, the variant was classified as uncertain significance.

Labcorp Genetics (formerly Invitae), Labcorp
Classification: Uncertain significance. Last evaluated: 2024-01-27. Review status: criteria provided, single submitter. Criteria: Invitae Variant Classification Sherloc (09022015). Collection method: clinical testing. Allele origin: germline.
Comment: This sequence change replaces glutamine, which is neutral and polar, with arginine, which is basic and polar, at codon 1448 of the CLTC protein (p.Gln1448Arg). This variant is not present in population databases (gnomAD no frequency). This variant has not been reported in the literature in individuals affected with CLTC-related conditions. ClinVar contains an entry for this variant (Variation ID: 1469645). Advanced modeling of protein sequence and biophysical properties (such as structural, functional, and spatial information, amino acid conservation, physicochemical variation, residue mobility, and thermodynamic stability) performed at Invitae indicates that this missense variant is not expected to disrupt CLTC protein function with a negative predictive value of 80%. In summary, the available evidence is currently insufficient to determine the role of this variant in disease. Therefore, it has been classified as a Variant of Uncertain Significance.